The following is an entry in ClinVar:

NM_000431.4(MVK):c.857C>T (p.Pro286Leu)

Gene: MVK (mevalonate kinase; plus strand). Cytogenetic location: 12q24.11.
Variant type: single nucleotide variant.
Coding change: c.857C>T on transcript NM_000431.4 (MANE Select); coding-DNA position 857, C replaced by T.
Protein change: p.Pro286Leu; replaces proline 286 with leucine.
Molecular consequence: missense variant.
Genome position (GRCh38, 1-based): chr12:109,591,329, C>T. VCF-style: chr12-109591329-C-T. GRCh37 (hg19) VCF-style: chr12-110029134-C-T.
Other names: c.857C>T (NM_000431.3, LRG_156t1); c.857C>T, p.Pro286Leu (NM_001114185.3); c.701C>T, p.Pro234Leu (NM_001301182.2); short protein forms P286L, P234L.
Identifiers: ClinVar variation 97633 (VCV000097633.9), dbSNP rs104895379, ClinGen allele CA149918.

ClinVar aggregate classification (germline): Uncertain significance. Review status: criteria provided, multiple submitters, no conflicts (2 of 4 stars). 6 submissions from 5 submitters: Uncertain significance (5). 1 of the submissions does not count toward it. Last evaluated 2025-03-07.

Conditions:
MVK-related disorder. Also called: MVK-related condition; MVK-related disorders. Identifiers: MedGen CN239294.
Porokeratosis 3, disseminated superficial actinic type (POROK3). Also called: POROKERATOSIS, DISSEMINATED SUPERFICIAL ACTINIC, 1; POROKERATOSIS 3, MULTIPLE TYPES; POROKERATOSIS 3, MIBELLI TYPE. Identifiers: MedGen C1867981, MONDO:0008293, OMIM 175900.
Mevalonic aciduria (MEVA). Identifiers: Orphanet 29, MedGen C1959626, MONDO:0012481, OMIM 610377.
Hyperimmunoglobulin D with periodic fever (HIDS). Also called: HYPERIMMUNOGLOBULINEMIA D AND PERIODIC FEVER SYNDROME; Hyperimmunoglobulinemia D with periodic fever; Hyperimmunoglobulinemia D. Identifiers: Orphanet 343, MedGen C0398691, MONDO:0009849, OMIM 260920.

Allele frequency attached by ClinVar (database versions not stated): gnomAD exomes 0.00002; gnomAD 0.00003; ExAC 0.00004; TOPMed 0.00004.
gnomAD v4.1: 147 of 1,614,108 alleles (0.0091%); highest among the groups gnomAD compares: Non-Finnish European, 0.012%; no homozygotes.

Submissions (6):

PreventionGenetics, part of Exact Sciences
Classification: Uncertain significance for MVK-related condition. Last evaluated: 2025-03-07. Review status: criteria provided, single submitter. Criteria: ACMG Guidelines, 2015. Collection method: clinical testing. Allele origin: germline.
Comment: The MVK c.857C>T variant is predicted to result in the amino acid substitution p.Pro286Leu. To our knowledge, this variant has not been reported in the literature. This variant is reported in 0.0044% of alleles in individuals of European (Non-Finnish) descent in gnomAD. At this time, the clinical significance of this variant is uncertain due to the absence of conclusive functional and genetic evidence.

Labcorp Genetics (formerly Invitae), Labcorp
Classification: Uncertain significance for Mevalonic aciduria; Hyperimmunoglobulin D with periodic fever; Porokeratosis 3, disseminated superficial actinic type. Last evaluated: 2024-12-08. Review status: criteria provided, single submitter. Criteria: Invitae Variant Classification Sherloc (09022015). Collection method: clinical testing. Allele origin: germline.
Comment: This sequence change replaces proline, which is neutral and non-polar, with leucine, which is neutral and non-polar, at codon 286 of the MVK protein (p.Pro286Leu). This variant is present in population databases (rs104895379, gnomAD 0.004%). This variant has not been reported in the literature in individuals affected with MVK-related conditions. ClinVar contains an entry for this variant (Variation ID: 97633). An algorithm developed to predict the effect of missense changes on protein structure and function outputs the following: PolyPhen-2: "Benign". The leucine amino acid residue is found in multiple mammalian species, which suggests that this missense change does not adversely affect protein function. In summary, the available evidence is currently insufficient to determine the role of this variant in disease. Therefore, it has been classified as a Variant of Uncertain Significance.

Fulgent Genetics
Classification: Uncertain significance for Porokeratosis 3, disseminated superficial actinic type; Hyperimmunoglobulin D with periodic fever; Mevalonic aciduria. Last evaluated: 2021-07-02. Review status: criteria provided, single submitter. Criteria: ACMG Guidelines, 2015. Collection method: clinical testing. Allele origin: unknown.

Illumina Laboratory Services, Illumina
Classification: Uncertain significance for Hyperimmunoglobulin D with periodic fever. Last evaluated: 2018-01-13. Review status: criteria provided, single submitter. Criteria: ICSL Variant Classification Criteria 13 December 2019. Collection method: clinical testing. Allele origin: germline.

Illumina Laboratory Services, Illumina
Classification: Uncertain significance for Mevalonic aciduria. Last evaluated: 2018-01-13. Review status: criteria provided, single submitter. Criteria: ICSL Variant Classification Criteria 13 December 2019. Collection method: clinical testing. Allele origin: germline.

Unité médicale des maladies autoinflammatoires, CHRU Montpellier
No classification provided. Condition: Hyperimmunoglobulin D with periodic fever. Review status: no classification provided. Collection method: not provided. Allele origin: unknown. Not counted in ClinVar's aggregate classification.
Comment: also involved in OMIM 25117